The following is an entry in ClinVar:

ClinVar aggregate classification (germline): Uncertain significance. Review status: criteria provided, multiple submitters, no conflicts (2 of 4 stars). 2 submissions from 2 submitters: Uncertain significance (2). Last evaluated 2025-06-30.

Conditions:
Developmental and epileptic encephalopathy, 8 (DEE8). Also called: HYPEREKPLEXIA AND EPILEPSY. Identifiers: Orphanet 163985, Orphanet 2076, MedGen C1845102, MONDO:0010375, OMIM 300607.

Submissions (2):

GeneDx
Classification: Uncertain significance. Last evaluated: 2025-06-30. Review status: criteria provided, single submitter. Criteria: GeneDx Variant Classification Process June 2021. Collection method: clinical testing. Allele origin: germline. Affected: yes.
Comment: Not observed at significant frequency in large population cohorts (gnomAD); In silico analysis supports that this missense variant has a deleterious effect on protein structure/function; Has not been previously published as pathogenic or benign to our knowledge

Labcorp Genetics (formerly Invitae), Labcorp
Classification: Uncertain significance for Developmental and epileptic encephalopathy, 8. Last evaluated: 2025-05-30. Review status: criteria provided, single submitter. Criteria: Invitae Variant Classification Sherloc (09022015). Collection method: clinical testing. Allele origin: germline.
Comment: This sequence change replaces leucine, which is neutral and non-polar, with serine, which is neutral and polar, at codon 511 of the ARHGEF9 protein (p.Leu511Ser). This variant is not present in population databases (gnomAD no frequency). This variant has not been reported in the literature in individuals affected with ARHGEF9-related conditions. Invitae Evidence Modeling of protein sequence and biophysical properties (such as structural, functional, and spatial information, amino acid conservation, physicochemical variation, residue mobility, and thermodynamic stability) indicates that this missense variant is not expected to disrupt ARHGEF9 protein function with a negative predictive value of 95%. In summary, the available evidence is currently insufficient to determine the role of this variant in disease. Therefore, it has been classified as a Variant of Uncertain Significance.

NM_001353921.2(ARHGEF9):c.1553T>C (p.Leu518Ser)

Gene: ARHGEF9 (Cdc42 guanine nucleotide exchange factor 9; minus strand). Cytogenetic location: Xq11.1.
Variant type: single nucleotide variant.
Coding change: c.1553T>C on transcript NM_001353921.2 (MANE Select); coding-DNA position 1553, T replaced by C.
Protein change: p.Leu518Ser; replaces leucine 518 with serine.
Molecular consequence: missense variant. On other transcripts: 3 prime UTR variant (2).
Genome position (GRCh38, 1-based): chrX:63,638,047, A>G on the plus strand (T>C on the coding strand, the complement: ARHGEF9 is on the minus strand). VCF-style: chrX-63638047-A-G. GRCh37 (hg19) VCF-style: chrX-62857927-A-G.
Other names: c.1337T>C, p.Leu446Ser (NM_001353927.2, NM_001369041.1); c.1400T>C, p.Leu467Ser (NM_001353928.2); c.1532T>C, p.Leu511Ser (NM_001369030.1, NM_001369031.1, NM_001369032.1 and 1 more transcripts); c.1469T>C, p.Leu490Ser (NM_001369033.1, NM_001369034.1, NM_001369035.1 and 4 more transcripts); c.1352T>C, p.Leu451Ser (NM_001369039.1, NM_001369040.1, NM_001353924.2 and 1 more transcripts); c.1226T>C, p.Leu409Ser (NM_001369042.1, NM_001173480.2); c.*190T>C (NM_001369043.1, NM_001369044.1); c.986T>C, p.Leu329Ser (NM_001369045.1); and 3 more; short protein forms L329S, L409S, L446S, L451S, L458S, L467S, L474S, L490S.
Identifiers: ClinVar variation 4681010 (VCV004681010.2).